The following is an entry in ClinVar:

ClinVar aggregate classification (germline): Uncertain significance (1 of 4 stars; one submission).

Conditions:
Hereditary breast ovarian cancer syndrome. Also called: Hereditary breast and ovarian cancer; Hereditary breast and ovarian cancer syndrome (HBOC); Breast and ovarian cancer; Hereditary breast and/or ovarian cancer syndrome; BRCA1- and BRCA2-Associated Hereditary Breast and Ovarian Cancer; Hereditary breast and ovarian cancer syndrome. Identifiers: Orphanet 145, MedGen C0677776, MeSH D061325, MONDO:0003582. Disease mechanism: loss of function.

Submissions (2):

Labcorp Genetics (formerly Invitae), Labcorp
Classification: Uncertain significance for Hereditary breast ovarian cancer syndrome. Last evaluated: 2026-01-13. Review status: criteria provided, single submitter. Criteria: Invitae Variant Classification Sherloc (09022015). Collection method: clinical testing. Allele origin: germline.
Comment: This sequence change replaces phenylalanine, which is neutral and non-polar, with leucine, which is neutral and non-polar, at codon 1668 of the BRCA1 protein (p.Phe1668Leu). This variant is not present in population databases (gnomAD no frequency). This variant has not been reported in the literature in individuals affected with BRCA1-related conditions. ClinVar contains an entry for this variant (Variation ID: 868916). Invitae Evidence Modeling incorporating data from in vitro experimental studies (PMID: 30209399) indicates that this missense variant is not expected to disrupt BRCA1 function with a negative predictive value of 95%. Experimental studies have shown that this missense change affects BRCA1 function (PMID: 37085799). In summary, the available evidence is currently insufficient to determine the role of this variant in disease. Therefore, it has been classified as a Variant of Uncertain Significance.

Brotman Baty Institute, University of Washington
No classification provided (evidence only). Condition: Breast-ovarian cancer, familial 1. Review status: no classification provided. Collection method: in vitro. Allele origin: not applicable. Functional consequence: functionally_normal. Not counted in ClinVar's aggregate classification.
ClinVar note: "not provided" was previously submitted as the classification for the variant. However, the classification appeared to be based only on an observation of functional data so it was converted to no classification on 2025-07-30.

Literature cited by the submitters: PubMed 30209399 (cited by Labcorp Genetics (formerly Invitae), Labcorp); PubMed 37085799 (cited by Labcorp Genetics (formerly Invitae), Labcorp).

NM_007294.4(BRCA1):c.5004T>G (p.Phe1668Leu)

Gene: BRCA1 (BRCA1 DNA repair associated; minus strand). Cytogenetic location: 17q21.31.
Variant type: single nucleotide variant.
Coding change: c.5004T>G on transcript NM_007294.4 (MANE Select); coding-DNA position 5004, T replaced by G.
Protein change: p.Phe1668Leu; replaces phenylalanine 1668 with leucine.
Molecular consequence: missense variant. On other transcripts: non-coding transcript variant (1).
Genome position (GRCh38, 1-based): chr17:43,067,678, A>C on the plus strand (T>G on the coding strand, the complement: BRCA1 is on the minus strand). VCF-style: chr17-43067678-A-C. GRCh37 (hg19) VCF-style: chr17-41219695-A-C.
Other names: c.4791T>G, p.Phe1597Leu (NM_001407571.1, NM_001407894.1, NM_001407895.1 and 12 more transcripts); c.5070T>G, p.Phe1690Leu (NM_001407581.1, NM_001407582.1); c.5067T>G, p.Phe1689Leu (NM_001407583.1, NM_001407585.1, NM_001407587.1 and 1 more transcripts); c.5064T>G, p.Phe1688Leu (NM_001407590.1, NM_001407591.1); c.5004T>G, p.Phe1668Leu (NM_001407593.1, NM_001407594.1, NM_001407596.1 and 8 more transcripts); c.5001T>G, p.Phe1667Leu (NM_001407610.1, NM_001407621.1, NM_001407622.1 and 17 more transcripts); c.4998T>G, p.Phe1666Leu (NM_001407627.1, NM_001407628.1, NM_001407629.1 and 14 more transcripts); c.4995T>G, p.Phe1665Leu (NM_001407644.1, NM_001407645.1); and 70 more; short protein forms F564L, F1621L, F1689L, F1668L, F1540L, F1541L, F1557L, F1578L.
Identifiers: ClinVar variation 868916 (VCV000868916.11), dbSNP rs2052185251, ClinGen allele CA10591510.